The following is an entry in ClinVar:

NM_001376.5(DYNC1H1):c.406C>T (p.Arg136Trp)

Gene: DYNC1H1 (dynein cytoplasmic 1 heavy chain 1; plus strand). Cytogenetic location: 14q32.31.
Variant type: single nucleotide variant.
Coding change: c.406C>T on transcript NM_001376.5 (MANE Select); coding-DNA position 406, C replaced by T.
Protein change: p.Arg136Trp; replaces arginine 136 with tryptophan.
Molecular consequence: missense variant.
Genome position (GRCh38, 1-based): chr14:101,979,380, C>T. VCF-style: chr14-101979380-C-T. GRCh37 (hg19) VCF-style: chr14-102445717-C-T.
Other names: short protein forms R136W.
Identifiers: ClinVar variation 3633332 (VCV003633332.2).

ClinVar aggregate classification (germline): Uncertain significance (1 of 4 stars; one submission).

Conditions:
Charcot-Marie-Tooth disease axonal type 2O. Also called: CHARCOT-MARIE-TOOTH NEUROPATHY, AXONAL, TYPE 2O; CHARCOT-MARIE-TOOTH DISEASE, AXONAL, AUTOSOMAL DOMINANT, TYPE 2O; Charcot-Marie-Tooth Neuropathy Type 2O; Charcot-Marie-Tooth disease, axonal, type 20. Identifiers: Orphanet 284232, MedGen C3280220, MONDO:0013644, OMIM 614228.

gnomAD v4.1: 8 of 1,614,146 alleles (0.0005%); highest among the groups gnomAD compares: Admixed American, 0.0017%; no homozygotes.

Submission:

Labcorp Genetics (formerly Invitae), Labcorp
Classification: Uncertain significance for Charcot-Marie-Tooth disease axonal type 2O. Last evaluated: 2024-06-26. Review status: criteria provided, single submitter. Criteria: Invitae Variant Classification Sherloc (09022015). Collection method: clinical testing. Allele origin: germline.
Comment: This sequence change replaces arginine, which is basic and polar, with tryptophan, which is neutral and slightly polar, at codon 136 of the DYNC1H1 protein (p.Arg136Trp). This variant is present in population databases (rs772700375, gnomAD 0.01%). This missense change has been observed in individual(s) with clinical features of DYNC1H1-related conditions (Invitae). Advanced modeling of protein sequence and biophysical properties (such as structural, functional, and spatial information, amino acid conservation, physicochemical variation, residue mobility, and thermodynamic stability) has been performed at Invitae for this missense variant, however the output from this modeling did not meet the statistical confidence thresholds required to predict the impact of this variant on DYNC1H1 protein function. In summary, the available evidence is currently insufficient to determine the role of this variant in disease. Therefore, it has been classified as a Variant of Uncertain Significance.